The following is an entry in ClinVar:

NM_001372066.1(TFAP2A):c.51+8C>A

Genes: TFAP2A (transcription factor AP-2 alpha; minus strand), TFAP2A-AS1 (TFAP2A antisense RNA 1; plus strand). Cytogenetic location: 6p24.3.
Variant type: single nucleotide variant.
Coding change: c.51+8C>A on transcript NM_001372066.1 (MANE Select); 8 bases into the intron after coding-DNA position 51, C replaced by A.
Molecular consequence: intron variant. On other transcripts: non-coding transcript variant (1).
Genome position (GRCh38, 1-based): chr6:10,414,933, G>T on the plus strand (C>A on the coding strand, the complement: TFAP2A is on the minus strand). VCF-style: chr6-10414933-G-T. GRCh37 (hg19) VCF-style: chr6-10415166-G-T.
Other names: NM_003220.2:c.45+8C>A; c.33+4485C>A (NM_001042425.3).
Identifiers: ClinVar variation 3029339 (VCV003029339.3), dbSNP rs199883139, ClinGen allele CA448546609.
Genomic context (GRCh38, chr6:10,414,933, plus strand): 5'-AGGAGGAGAGGGAGGGTCAAGCTCGGAGCCTGTGACCGCACGGATGATCGAGCCGGCGTC[G>T]CGCTTACCTCGCAGTCCTCGTACTTGATATTATCCGTCAATTTCCAAAGCATTTTCATGG-3'

ClinVar aggregate classification (germline): Likely benign. Review status: criteria provided, single submitter (1 of 4 stars). 2 submissions from 2 submitters: Likely benign (1). 1 of the submissions does not count toward it. Last evaluated 2023-12-14.

Conditions:
TFAP2A-related disorder. Also called: TFAP2A-related condition.

Submissions (2):

Blueprint Genetics
Classification: Likely benign. Last evaluated: 2023-12-14. Review status: criteria provided, single submitter. Criteria: ACMG Guidelines, 2015. Collection method: clinical testing. Allele origin: germline.

PreventionGenetics, part of Exact Sciences
Classification: Likely benign for TFAP2A-related condition. Last evaluated: 2021-07-23. Review status: no assertion criteria provided. Collection method: clinical testing. Allele origin: germline. Not counted in ClinVar's aggregate classification.
Comment: This variant is classified as likely benign based on ACMG/AMP sequence variant interpretation guidelines (Richards et al. 2015 PMID: 25741868, with internal and published modifications).